The following is an entry in ClinVar:

ClinVar aggregate classification (germline): Uncertain significance (1 of 4 stars; one submission).

Conditions:
Long QT syndrome (LQTS). Identifiers: MedGen C0023976, MeSH D008133, MONDO:0002442. Disease mechanism: loss of function. Inheritance: Various modes of inheritance.

Allele frequency attached by ClinVar (database versions not stated): gnomAD exomes below 0.00001.
gnomAD v4.1: 2 of 1,613,922 alleles (0.00012%); highest among the groups gnomAD compares: Admixed American, 0.0033%; no homozygotes.

Submission:

Labcorp Genetics (formerly Invitae), Labcorp
Classification: Uncertain significance for Long QT syndrome. Last evaluated: 2025-05-01. Review status: criteria provided, single submitter. Criteria: Invitae Variant Classification Sherloc (09022015). Collection method: clinical testing. Allele origin: germline.
Comment: This sequence change replaces glutamic acid, which is acidic and polar, with glycine, which is neutral and non-polar, at codon 472 of the AKAP9 protein (p.Glu472Gly). This variant is present in population databases (no rsID available, gnomAD 0.0009%). This variant has not been reported in the literature in individuals affected with AKAP9-related conditions. ClinVar contains an entry for this variant (Variation ID: 2169651). An algorithm developed to predict the effect of missense changes on protein structure and function (PolyPhen-2) suggests that this variant is likely to be tolerated. In summary, the available evidence is currently insufficient to determine the role of this variant in disease. Therefore, it has been classified as a Variant of Uncertain Significance.

NM_005751.5(AKAP9):c.1415A>G (p.Glu472Gly)

Gene: AKAP9 (A-kinase anchoring protein 9; plus strand). Cytogenetic location: 7q21.2.
Variant type: single nucleotide variant.
Coding change: c.1415A>G on transcript NM_005751.5 (MANE Select); coding-DNA position 1415, A replaced by G.
Protein change: p.Glu472Gly; replaces glutamic acid 472 with glycine.
Molecular consequence: missense variant.
Genome position (GRCh38, 1-based): chr7:92,001,332, A>G. VCF-style: chr7-92001332-A-G. GRCh37 (hg19) VCF-style: chr7-91630646-A-G.
Other names: c.1415A>G, p.Glu472Gly (NM_147185.3); short protein forms E472G.
Identifiers: ClinVar variation 2169651 (VCV002169651.4), dbSNP rs1378818298, ClinGen allele CA368121742.